The following is an entry in ClinVar:

ClinVar aggregate classification (germline): Benign (0 of 4 stars; one submission).

Conditions:
TIAM1-related disorder. Also called: TIAM1-related condition.

Allele frequency attached by ClinVar (database versions not stated): ExAC 0.00462; ESP Exome Variant Server 0.01561; TOPMed 0.01588; 1000 Genomes Project 0.01597; 1000 Genomes Project 30x 0.01640.
gnomAD v4.1: 4,332 of 1,613,794 alleles (0.27%); highest among the groups gnomAD compares: African/African-American, 4.8%; 91 homozygotes.

Submission:

PreventionGenetics, part of Exact Sciences
Classification: Benign for TIAM1-related condition. Last evaluated: 2024-03-11. Review status: no assertion criteria provided. Collection method: clinical testing. Allele origin: germline.
Comment: This variant is classified as benign based on ACMG/AMP sequence variant interpretation guidelines (Richards et al. 2015 PMID: 25741868, with internal and published modifications).

NM_001353694.2(TIAM1):c.2784C>T (p.Pro928=)

Gene: TIAM1 (TIAM Rac1 associated GEF 1; minus strand). Cytogenetic location: 21q22.11.
Variant type: single nucleotide variant.
Coding change: c.2784C>T on transcript NM_001353694.2 (MANE Select); coding-DNA position 2784, C replaced by T.
Protein change: p.Pro928=; no amino-acid change (proline 928 retained).
Molecular consequence: synonymous variant.
Genome position (GRCh38, 1-based): chr21:31,182,524, G>A on the plus strand (C>T on the coding strand, the complement: TIAM1 is on the minus strand). VCF-style: chr21-31182524-G-A. GRCh37 (hg19) VCF-style: chr21-32554841-G-A.
Other names: c.2784C>T, p.Pro928= (NM_001353686.2, NM_001353688.1, NM_001353689.1 and 5 more transcripts); c.2709C>T, p.Pro903= (NM_001353687.2).
Identifiers: ClinVar variation 3039364 (VCV003039364.2), dbSNP rs60440604, ClinGen allele CA9998054.